The following is an entry in ClinVar:

NM_213599.3(ANO5):c.2438C>A (p.Pro813His)

Gene: ANO5 (anoctamin 5; plus strand). Cytogenetic location: 11p14.3.
Variant type: single nucleotide variant.
Coding change: c.2438C>A on transcript NM_213599.3 (MANE Select); coding-DNA position 2438, C replaced by A.
Protein change: p.Pro813His; replaces proline 813 with histidine.
Molecular consequence: missense variant.
Genome position (GRCh38, 1-based): chr11:22,276,117, C>A. VCF-style: chr11-22276117-C-A. GRCh37 (hg19) VCF-style: chr11-22297663-C-A.
Other names: c.2435C>A, p.Pro812His (NM_001142649.2); short protein forms P813H, P812H.
Identifiers: ClinVar variation 663986 (VCV000663986.11), dbSNP rs547523498, ClinGen allele CA5923583.

ClinVar aggregate classification (germline): Uncertain significance (1 of 4 stars; one submission).

Conditions:
Autosomal recessive limb-girdle muscular dystrophy type 2L (LGMDR12). Also called: Limb-girdle muscular dystrophy, type 2L; Limb-Girdle Muscular Dystrophy R12 Anoctamin-5-Related (LGMD-R12); MUSCULAR DYSTROPHY, LIMB-GIRDLE, AUTOSOMAL RECESSIVE 12. Identifiers: Orphanet 206549, MedGen C1969785, MONDO:0012652, OMIM 611307.
Gnathodiaphyseal dysplasia (GDD). Also called: GNATHODIAPHYSEAL SCLEROSIS; OSTEOGENESIS IMPERFECTA WITH UNUSUAL SKELETAL LESIONS. Identifiers: Orphanet 53697, MedGen C1833736, MONDO:0008151, OMIM 166260.

Allele frequency attached by ClinVar (database versions not stated): TOPMed below 0.00001; gnomAD 0.00001; gnomAD exomes 0.00002; ExAC 0.00004; 1000 Genomes Project 30x 0.00016; 1000 Genomes Project 0.00020.
gnomAD v4.1: 13 of 1,609,556 alleles (0.00081%); highest among the groups gnomAD compares: Middle Eastern, 0.017%; no homozygotes.

Submission:

Labcorp Genetics (formerly Invitae), Labcorp
Classification: Uncertain significance for Autosomal recessive limb-girdle muscular dystrophy type 2L; Gnathodiaphyseal dysplasia. Last evaluated: 2024-05-29. Review status: criteria provided, single submitter. Criteria: Invitae Variant Classification Sherloc (09022015). Collection method: clinical testing. Allele origin: germline.
Comment: This sequence change replaces proline, which is neutral and non-polar, with histidine, which is basic and polar, at codon 813 of the ANO5 protein (p.Pro813His). This variant is present in population databases (rs547523498, gnomAD 0.01%). This variant has not been reported in the literature in individuals affected with ANO5-related conditions. ClinVar contains an entry for this variant (Variation ID: 663986). Advanced modeling of protein sequence and biophysical properties (such as structural, functional, and spatial information, amino acid conservation, physicochemical variation, residue mobility, and thermodynamic stability) performed at Invitae indicates that this missense variant is expected to disrupt ANO5 protein function with a positive predictive value of 95%. In summary, the available evidence is currently insufficient to determine the role of this variant in disease. Therefore, it has been classified as a Variant of Uncertain Significance.